The following is an entry in ClinVar:

NM_014712.3(SETD1A):c.2873C>T (p.Ser958Phe)

Gene: SETD1A (SET domain containing 1A, histone lysine methyltransferase; plus strand). Cytogenetic location: 16p11.2.
Variant type: single nucleotide variant.
Coding change: c.2873C>T on transcript NM_014712.3 (MANE Select); coding-DNA position 2873, C replaced by T.
Protein change: p.Ser958Phe; replaces serine 958 with phenylalanine.
Molecular consequence: missense variant.
Genome position (GRCh38, 1-based): chr16:30,969,407, C>T. VCF-style: chr16-30969407-C-T. GRCh37 (hg19) VCF-style: chr16-30980728-C-T.
Other names: short protein forms S958F.
Identifiers: ClinVar variation 4074615 (VCV004074615.1).
Genomic context (GRCh38, chr16:30,969,407, plus strand): 5'-GGACCAAGCCCCCGAAGCGGGACGAAGAGCGAGGCAAGACCCAGGGCAAGCACCGCAAGT[C>T]CTTTGCTCTGGACAGCGAAGGGGAGGAGGCATCCCAGGAGTCCTCCTCGGAGAAGGTGAG-3'
Protein context (NP_055527.1, residues 948-968): RGKTQGKHRK[Ser958Phe]FALDSEGEEA

ClinVar aggregate classification (germline): Uncertain significance (1 of 4 stars; one submission).

Submission:

GeneDx
Classification: Uncertain significance. Last evaluated: 2025-02-07. Review status: criteria provided, single submitter. Criteria: GeneDx Variant Classification Process June 2021. Collection method: clinical testing. Allele origin: germline. Affected: yes.
Comment: Not observed at significant frequency in large population cohorts (gnomAD); In silico analysis supports that this missense variant has a deleterious effect on protein structure/function; Has not been previously published as pathogenic or benign to our knowledge